The following is an entry in ClinVar:

NM_001123385.2(BCOR):c.1523C>T (p.Ser508Phe)

Genes: BCOR (BCL6 corepressor; minus strand), LOC126863239 (MED14-independent group 3 enhancer GRCh37_chrX:39932994-39934193; plus strand). Cytogenetic location: Xp11.4.
Variant type: single nucleotide variant.
Coding change: c.1523C>T on transcript NM_001123385.2 (MANE Select); coding-DNA position 1523, C replaced by T.
Protein change: p.Ser508Phe; replaces serine 508 with phenylalanine.
Molecular consequence: missense variant.
Genome position (GRCh38, 1-based): chrX:40,073,823, G>A on the plus strand (C>T on the coding strand, the complement: BCOR is on the minus strand). VCF-style: chrX-40073823-G-A. GRCh37 (hg19) VCF-style: chrX-39933076-G-A.
Other names: c.1523C>T, p.Ser508Phe (NM_001123383.2, NM_001123384.2, NM_017745.6); short protein forms S508F.
Identifiers: ClinVar variation 1311571 (VCV001311571.9), dbSNP rs773646449, ClinGen allele CA10386917.

ClinVar aggregate classification (germline): Uncertain significance. Review status: criteria provided, multiple submitters, no conflicts (2 of 4 stars). 2 submissions from 2 submitters: Uncertain significance (2). Last evaluated 2021-07-30.

Conditions:
Oculofaciocardiodental syndrome (MCOPS2). Identifiers: Orphanet 2712, MedGen C1846265, MONDO:0010261, OMIM 300166.

Allele frequency attached by ClinVar (database versions not stated): gnomAD exomes below 0.00001 and 0.00001; ExAC 0.00001; TOPMed 0.00001.
gnomAD v4.1: 3 of 1,212,536 alleles (0.00025%); highest among the groups gnomAD compares: Non-Finnish European, 0.00033%; no homozygotes.

Submissions (2):

Labcorp Genetics (formerly Invitae), Labcorp
Classification: Uncertain significance for Oculofaciocardiodental syndrome. Last evaluated: 2021-07-30. Review status: criteria provided, single submitter. Criteria: Invitae Variant Classification Sherloc (09022015). Collection method: clinical testing. Allele origin: germline.
Comment: This variant has not been reported in the literature in individuals with BCOR-related conditions. Algorithms developed to predict the effect of missense changes on protein structure and function (SIFT, PolyPhen-2, Align-GVGD) all suggest that this variant is likely to be disruptive, but these predictions have not been confirmed by published functional studies and their clinical significance is uncertain. In summary, the available evidence is currently insufficient to determine the role of this variant in disease. Therefore, it has been classified as a Variant of Uncertain Significance. This variant is present in population databases (rs773646449, ExAC 0.002%). This sequence change replaces serine with phenylalanine at codon 508 of the BCOR protein (p.Ser508Phe). The serine residue is highly conserved and there is a large physicochemical difference between serine and phenylalanine.

GeneDx
Classification: Uncertain significance. Last evaluated: 2019-12-30. Review status: criteria provided, single submitter. Criteria: GeneDx Variant Classification Process June 2021. Collection method: clinical testing. Allele origin: germline. Affected: yes.
Comment: Not observed at a significant frequency in large population cohorts (Lek et al., 2016); In silico analysis, which includes protein predictors and evolutionary conservation, supports a deleterious effect; Has not been previously published as pathogenic or benign to our knowledge